The following is an entry in ClinVar:

ClinVar aggregate classification (germline): Uncertain significance (1 of 4 stars; one submission).

Submission:

Labcorp Genetics (formerly Invitae), Labcorp
Classification: Uncertain significance. Last evaluated: 2022-02-10. Review status: criteria provided, single submitter. Criteria: Invitae Variant Classification Sherloc (09022015). Collection method: clinical testing. Allele origin: germline.
Comment: In summary, the available evidence is currently insufficient to determine the role of this variant in disease. Therefore, it has been classified as a Variant of Uncertain Significance. Algorithms developed to predict the effect of missense changes on protein structure and function are either unavailable or do not agree on the potential impact of this missense change (SIFT: "Deleterious"; PolyPhen-2: "Not Available"; Align-GVGD: "Class C25"). This variant has not been reported in the literature in individuals affected with SRCAP-related conditions. This variant is not present in population databases (gnomAD no frequency). This sequence change replaces aspartic acid, which is acidic and polar, with alanine, which is neutral and non-polar, at codon 498 of the SRCAP protein (p.Asp498Ala).

NM_006662.3(SRCAP):c.1493A>C (p.Asp498Ala)

Gene: SRCAP (Snf2 related CREBBP activator protein; plus strand). Cytogenetic location: 16p11.2.
Variant type: single nucleotide variant.
Coding change: c.1493A>C on transcript NM_006662.3 (MANE Select); coding-DNA position 1493, A replaced by C.
Protein change: p.Asp498Ala; replaces aspartic acid 498 with alanine.
Molecular consequence: missense variant.
Genome position (GRCh38, 1-based): chr16:30,711,835, A>C. VCF-style: chr16-30711835-A-C. GRCh37 (hg19) VCF-style: chr16-30723156-A-C.
Other names: short protein forms D498A.
Identifiers: ClinVar variation 1523000 (VCV001523000.6), dbSNP rs199716597, ClinGen allele CA395604181.